The following is an entry in ClinVar:

ClinVar aggregate classification (germline): Uncertain significance (1 of 4 stars; one submission).

Submission:

Labcorp Genetics (formerly Invitae), Labcorp
Classification: Uncertain significance. Last evaluated: 2025-05-20. Review status: criteria provided, single submitter. Criteria: Invitae Variant Classification Sherloc (09022015). Collection method: clinical testing. Allele origin: germline.
Comment: This sequence change replaces methionine, which is neutral and non-polar, with valine, which is neutral and non-polar, at codon 29 of the PGK1 protein (p.Met29Val). This variant is present in population databases (rs782083489, gnomAD 0.004%), including at least one homozygous and/or hemizygous individual. This variant has not been reported in the literature in individuals affected with PGK1-related conditions. Invitae Evidence Modeling of protein sequence and biophysical properties (such as structural, functional, and spatial information, amino acid conservation, physicochemical variation, residue mobility, and thermodynamic stability) indicates that this missense variant is not expected to disrupt PGK1 protein function with a negative predictive value of 80%. In summary, the available evidence is currently insufficient to determine the role of this variant in disease. Therefore, it has been classified as a Variant of Uncertain Significance.

NM_000291.4(PGK1):c.85A>G (p.Met29Val)

Gene: PGK1 (phosphoglycerate kinase 1; plus strand). Cytogenetic location: Xq21.1.
Variant type: single nucleotide variant.
Coding change: c.85A>G on transcript NM_000291.4 (MANE Select); coding-DNA position 85, A replaced by G.
Protein change: p.Met29Val; replaces methionine 29 with valine.
Molecular consequence: missense variant.
Genome position (GRCh38, 1-based): chrX:78,109,886, A>G. VCF-style: chrX-78109886-A-G. GRCh37 (hg19) VCF-style: chrX-77365383-A-G.
Other names: short protein forms M29V.
Identifiers: ClinVar variation 4751214 (VCV004751214.1).